The following is an entry in ClinVar:

NM_001042750.2(STAG2):c.3232T>G (p.Ser1078Ala)

Gene: STAG2 (STAG2 cohesin complex component; plus strand). Cytogenetic location: Xq25.
Variant type: single nucleotide variant.
Coding change: c.3232T>G on transcript NM_001042750.2 (MANE Select); coding-DNA position 3232, T replaced by G.
Protein change: p.Ser1078Ala; replaces serine 1078 with alanine.
Molecular consequence: missense variant.
Genome position (GRCh38, 1-based): chrX:124,086,725, T>G. VCF-style: chrX-124086725-T-G. GRCh37 (hg19) VCF-style: chrX-123220575-T-G.
Other names: c.3232T>G, p.Ser1078Ala (NM_001375374.1, NM_001375375.1, NM_001375376.1 and 13 more transcripts); short protein forms S1078A.
Identifiers: ClinVar variation 1320784 (VCV001320784.2), dbSNP rs373076855, ClinGen allele CA414281105.
Genomic context (GRCh38, chrX:124,086,725, plus strand): 5'-TCAGTCATTAGTGGAATCAGCAGCCGGGGGTCAACAGTACGGAGTAAAAAATCAAAACCA[T>G]CTACAGGAAAACGGAAAGTGGTTGAGGGCATGCAGCTTTCACTCAGTAAGGATATAATTT-3'
Protein context (NP_001036215.1, residues 1068-1088): STVRSKKSKP[Ser1078Ala]TGKRKVVEGM

ClinVar aggregate classification (germline): Uncertain significance (1 of 4 stars; one submission).

Submission:

GeneDx
Classification: Uncertain significance. Last evaluated: 2020-07-02. Review status: criteria provided, single submitter. Criteria: GeneDx Variant Classification Process June 2021. Collection method: clinical testing. Allele origin: germline. Affected: yes.
Comment: Not observed in large population cohorts (Lek et al., 2016); In silico analysis supports that this missense variant does not alter protein structure/function; Has not been previously published as pathogenic or benign to our knowledge